The following is an entry in ClinVar:

NM_000860.6(HPGD):c.*636T>C

Gene: HPGD (15-hydroxyprostaglandin dehydrogenase; minus strand). Cytogenetic location: 4q34.1.
Variant type: single nucleotide variant.
Coding change: c.*636T>C on transcript NM_000860.6 (MANE Select); 636 bases downstream of the stop codon, T replaced by C.
Molecular consequence: 3 prime UTR variant.
Genome position (GRCh38, 1-based): chr4:174,491,320, A>G on the plus strand (T>C on the coding strand, the complement: HPGD is on the minus strand). VCF-style: chr4-174491320-A-G. GRCh37 (hg19) VCF-style: chr4-175412471-A-G.
Other names: c.*736T>C (NM_001145816.3); c.*636T>C (NM_001256301.1, NM_001256306.2, NM_001256307.2); c.*764T>C (NM_001256305.2).
Identifiers: ClinVar variation 901033 (VCV000901033.4), dbSNP rs546812349, ClinGen allele CA111125569.
Genomic context (GRCh38, chr4:174,491,320, plus strand): 5'-ATTTTTGGAGTCGGTAAAAGTTCTTAAAGTGAGCAGAGGAAAGAAATGTCTTTCCCAGAT[A>G]GGAGGCTGAACTGTGAATCAACAGTGTCAATCAGTTACTTTCTGTCATTTTTCCATACAG-3'

ClinVar aggregate classification (germline): Likely benign. Review status: criteria provided, single submitter (1 of 4 stars). 2 submissions from 1 submitter: Likely benign (2). Last evaluated 2018-01-13.

Conditions:
Isolated congenital digital clubbing. Also called: ACROPACHY, HEREDITARY; CLUBBING OF DIGITS. Identifiers: Orphanet 217059, MedGen C0345408, MONDO:0007343, OMIM 119900.
Hypertrophic osteoarthropathy, primary, autosomal recessive, 1 (PHOAR1). Also called: PHO, AUTOSOMAL RECESSIVE. Identifiers: Orphanet 1525, Orphanet 2796, MedGen C4551679, MONDO:0024546, OMIM 259100.

Allele frequency attached by ClinVar (database versions not stated): gnomAD 0.00002 and 0.00034; TOPMed 0.00010; 1000 Genomes Project 30x 0.00172; 1000 Genomes Project 0.00200.

Submissions (2):

Illumina Laboratory Services, Illumina
Classification: Likely benign for Isolated congenital digital clubbing. Last evaluated: 2018-01-13. Review status: criteria provided, single submitter. Criteria: ICSL Variant Classification Criteria 13 December 2019. Collection method: clinical testing. Allele origin: germline.
Comment: This variant was observed in the ICSL laboratory as part of a predisposition screen in an ostensibly healthy population. It had not been previously curated by ICSL or reported in the Human Gene Mutation Database (HGMD: prior to June 1st, 2018), and was therefore a candidate for classification through an automated scoring system. Utilizing variant allele frequency, disease prevalence and penetrance estimates, and inheritance mode, an automated score was calculated to assess if this variant is too frequent to cause the disease. Based on the score and internal cut-off values, a variant classified as likely benign is not then subjected to further curation. The score for this variant resulted in a classification of likely benign for this disease.

Illumina Laboratory Services, Illumina
Classification: Likely benign for Hypertrophic osteoarthropathy, primary, autosomal recessive, 1. Last evaluated: 2018-01-13. Review status: criteria provided, single submitter. Criteria: ICSL Variant Classification Criteria 13 December 2019. Collection method: clinical testing. Allele origin: germline.
Comment: the same text as in the submission from Illumina Laboratory Services, Illumina above.